The following is an entry in ClinVar:

NM_000218.3(KCNQ1):c.136G>A (p.Ala46Thr)

Gene: KCNQ1 (potassium voltage-gated channel subfamily Q member 1; plus strand). Cytogenetic location: 11p15.5.
Variant type: single nucleotide variant.
Coding change: c.136G>A on transcript NM_000218.3 (MANE Select); coding-DNA position 136, G replaced by A.
Protein change: p.Ala46Thr; replaces alanine 46 with threonine.
Molecular consequence: missense variant.
Genome position (GRCh38, 1-based): chr11:2,445,234, G>A. VCF-style: chr11-2445234-G-A. GRCh37 (hg19) VCF-style: chr11-2466464-G-A.
Other names: p.A46T:GCG>ACG; c.136G>A (LRG_287t1); short protein forms A46T.
Identifiers: ClinVar variation 52982 (VCV000052982.28), dbSNP rs199473671, ClinGen allele CA005701.

ClinVar aggregate classification (germline): Conflicting classifications of pathogenicity. Review status: criteria provided, conflicting classifications (1 of 4 stars). 13 submissions from 13 submitters: Uncertain significance (11); Likely benign (1). 1 of the submissions does not count toward it. Last evaluated 2026-10-13.

Conditions:
Cardiovascular phenotype. Identifiers: MedGen CN230736.
Familial long QT syndrome (RWS). Also called: Congenital long QT syndrome; Romano-Ward syndrome; VENTRICULAR FIBRILLATION WITH PROLONGED QT INTERVAL. Identifiers: Orphanet 768, MedGen C1141890, MONDO:0019171.
Atrial fibrillation, familial, 3 (ATFB3). Identifiers: MedGen C1837014, MONDO:0011857, OMIM 607554.
Long QT syndrome 1 (LQT1). Identifiers: Orphanet 101016, Orphanet 768, MedGen C4551647, MONDO:0100316, OMIM 192500, MONDO:0008646.
Beckwith-Wiedemann syndrome (BWS). Also called: Exomphalos macroglossia gigantism syndrome; EMG SYNDROME. Identifiers: Orphanet 116, MedGen C0004903, MONDO:0007534, OMIM 130650.
Jervell and Lange-Nielsen syndrome 1 (JLNS1). Also called: CARDIOAUDITORY SYNDROME OF JERVELL AND LANGE-NIELSEN; DEAFNESS, CONGENITAL, AND FUNCTIONAL HEART DISEASE; PROLONGED QT INTERVAL IN EKG AND SUDDEN DEATH; SURDO-CARDIAC SYNDROME. Identifiers: Orphanet 768, Orphanet 90647, MedGen C4551509, MONDO:0024540, OMIM 220400.
Short QT syndrome type 2. Identifiers: Orphanet 51083, MedGen C1865019, MONDO:0012313, OMIM 609621.
Long QT syndrome (LQTS). Identifiers: MedGen C0023976, MeSH D008133, MONDO:0002442. Disease mechanism: loss of function. Inheritance: Various modes of inheritance.

Allele frequency attached by ClinVar (database versions not stated): gnomAD exomes 0.00007 and 0.00006; gnomAD 0.00007 and 0.00008; TOPMed 0.00009.
gnomAD v4.1: 77 of 1,143,396 alleles (0.0067%); highest among the groups gnomAD compares: Middle Eastern, 0.037%; no homozygotes.

Submissions (13):

GeneDx
Classification: Uncertain significance. Last evaluated: 2026-10-13. Review status: criteria provided, single submitter. Criteria: GeneDx Variant Classification Process June 2021. Collection method: clinical testing. Allele origin: germline.
Comment: Observed in multiple individuals referred for long QT syndrome genetic testing in the literature (PMID: 19716085, 17905336, 16414944); Not observed at significant frequency in large population cohorts (gnomAD); In silico analysis suggests that this missense variant does not alter protein structure/function; This variant is associated with the following publications: (PMID: 21118729, 19716085, Pelletti2020[abstract], 16414944, 24144883, 25786344, 17905336, 25119684, 23631430, 28595573, 19808498, 32048431, 31737537, 30847666, 33600800, 34505893, 26423924, 23130128, 39244732)

Labcorp Genetics (formerly Invitae), Labcorp
Classification: Uncertain significance for Long QT syndrome. Last evaluated: 2026-02-02. Review status: criteria provided, single submitter. Criteria: Invitae Variant Classification Sherloc (09022015). Collection method: clinical testing. Allele origin: germline.
Comment: This sequence change replaces alanine, which is neutral and non-polar, with threonine, which is neutral and polar, at codon 46 of the KCNQ1 protein (p.Ala46Thr). The frequency data for this variant in the population databases is considered unreliable, as metrics indicate poor data quality at this position in the gnomAD database. This missense change has been observed in individual(s) with lone atrial fibrillation and/or long QT syndrome (PMID: 16414944, 17905336, 19808498, 21118729, 23130128, 24144883, 25786344, 30847666, 31737537, 34505893). ClinVar contains an entry for this variant (Variation ID: 52982). Invitae Evidence Modeling of protein sequence and biophysical properties (such as structural, functional, and spatial information, amino acid conservation, physicochemical variation, residue mobility, and thermodynamic stability) indicates that this missense variant is not expected to disrupt KCNQ1 protein function with a negative predictive value of 95%. Experimental studies are conflicting or provide insufficient evidence to determine the effect of this variant on KCNQ1 function (PMID: 19808498, 33600800). In summary, the available evidence is currently insufficient to determine the role of this variant in disease. Therefore, it has been classified as a Variant of Uncertain Significance.

Dasa
Classification: Uncertain significance. Last evaluated: 2025-05-25. Review status: criteria provided, single submitter. Criteria: DASA Assertion Criteria. Collection method: clinical testing. Allele origin: germline.
Comment: NM_000218.3(KCNQ1):c.136G>A (p.Ala46Thr) is a missense variant that results in the substitution of alanine with threonine. This variant has been reported in individuals with KCNQ1-related disorders (PMID: 16414944). Functional evidence supports an impact on the gene or gene product. Segregation data support an association with disease in the reported family/families (PMID: 19808498). Also, this variant is rare in population databases. The currently available literature and clinical evidence are not sufficient to establish a definitive association between this variant and the reported condition. Therefore, this variant is classified as a variant of uncertain significance.

Mayo Clinic Laboratories, Mayo Clinic
Classification: Uncertain significance. Last evaluated: 2025-01-12. Review status: criteria provided, single submitter. Criteria: ACMG Guidelines, 2015. Collection method: clinical testing. Allele origin: germline. Observed: 1 variant allele.
Comment: PM2_supporting, PS4_moderate

Ambry Genetics
Classification: Uncertain significance for Cardiovascular phenotype. Last evaluated: 2024-12-11. Review status: criteria provided, single submitter. Criteria: Ambry Variant Classification Scheme 2023. Collection method: clinical testing. Allele origin: germline.

Blueprint Genetics
Classification: Likely benign. Last evaluated: 2023-05-25. Review status: criteria provided, single submitter. Criteria: ACMG Guidelines, 2015. Collection method: clinical testing. Allele origin: germline.

Institute for Clinical Genetics, University Hospital TU Dresden, University Hospital TU Dresden
Classification: Uncertain significance. Last evaluated: 2023-04-24. Review status: criteria provided, single submitter. Criteria: ACMG Guidelines, 2015. Collection method: clinical testing. Allele origin: germline.
Comment: PM2_SUP

Fulgent Genetics
Classification: Uncertain significance for Beckwith-Wiedemann syndrome; Long QT syndrome 1; Jervell and Lange-Nielsen syndrome 1; Atrial fibrillation, familial, 3; Short QT syndrome type 2. Last evaluated: 2021-10-31. Review status: criteria provided, single submitter. Criteria: ACMG Guidelines, 2015. Collection method: clinical testing. Allele origin: unknown.

AiLife Diagnostics
Classification: Uncertain significance. Last evaluated: 2021-08-24. Review status: criteria provided, single submitter. Criteria: ACMG Guidelines, 2015. Collection method: clinical testing. Allele origin: germline. Affected: yes. Observed: 1 variant allele.

MVZ Martinsried, Medicover Genetics
Classification: Uncertain significance for Long QT syndrome 1. Last evaluated: 2018-02-23. Review status: criteria provided, single submitter. Criteria: ACMG Guidelines, 2015. Collection method: clinical testing. Allele origin: unknown. Affected: yes.

Stanford Center for Inherited Cardiovascular Disease, Stanford University
Classification: Uncertain significance. Last evaluated: 2017-11-13. Review status: criteria provided, single submitter. Criteria: ACMG Guidelines, 2015. Collection method: provider interpretation. Allele origin: germline.

Laboratory for Molecular Medicine, Mass General Brigham Personalized Medicine
Classification: Uncertain significance. Last evaluated: 2017-08-06. Review status: criteria provided, single submitter. Criteria: LMM Criteria. Collection method: clinical testing. Allele origin: germline. Observed: 1 variant allele.
Comment: The p.Ala46Thr variant in KCNQ1 has not been previously reported in individuals with hearing loss or Jervell and Lange-Nielsen syndrome, but has been identified in 1 individual with early onset (<40 years) atrial fibrillation (Olesen 2014), in 1 individual with focal epilepsy (Partemi 2015), in 2 individuals with long QT syndrome (Kaplinger 2009), and in 1 individual with suspected LQTS and syncop e (Chung 2007, Yang 2009). However, the individual with suspected LQTS and synco pe had 3 relatives with syncope without LQTS, and only 2 of 3 of these relatives carried the variant (Yang 2009). This variant was absent in 3500 control chromo somes reported in three studies (Napolitano 2005, Chung 2007, Kapplinger 2009) a nd absent from the gnomAD database. In-vitro functional studies provided inconcl usive evidence on the impact of this variant on normal protein function (Yang 20 09). In addition, alanine (Ala) at position 46 is not conserved through species, with 1 mammal (rat) having a threonine (Thr) at this position, suggesting that variants at this position may be tolerated. In summary, due to conflicting data, the clinical significance of the p.Ala46Thr variant is uncertain.

Cardiovascular Biomedical Research Unit, Royal Brompton & Harefield NHS Foundation Trust
No classification provided. Condition: Familial long QT syndrome. Review status: no classification provided. Collection method: literature only. Allele origin: germline. Not counted in ClinVar's aggregate classification.
Comment: This variant has been reported as associated with Long QT syndrome in the following publications (PMID:16414944;PMID:17905336;PMID:19716085;PMID:19808498). This is a literature report, and does not necessarily reflect the clinical interpretation of the Imperial College / Royal Brompton Cardiovascular Genetics laboratory.

Literature cited by the submitters: PubMed 16414944 (cited by 6 submitters); PubMed 17905336 (cited by 5 submitters); PubMed 19808498 (cited by 6 submitters); PubMed 21118729 (cited by Labcorp Genetics (formerly Invitae), Labcorp and Mayo Clinic Laboratories, Mayo Clinic); PubMed 23130128 (cited by 3 submitters); PubMed 24144883 (cited by 4 submitters); PubMed 25786344 (cited by 5 submitters); PubMed 30847666 (cited by 3 submitters); PubMed 31737537 (cited by Labcorp Genetics (formerly Invitae), Labcorp and AiLife Diagnostics); PubMed 34505893 (cited by Labcorp Genetics (formerly Invitae), Labcorp and Mayo Clinic Laboratories, Mayo Clinic); PubMed 33600800 (cited by Labcorp Genetics (formerly Invitae), Labcorp and Mayo Clinic Laboratories, Mayo Clinic); PubMed 19716085 (cited by 3 submitters); PubMed 25119684 (cited by 3 submitters); PubMed 32048431 (cited by Mayo Clinic Laboratories, Mayo Clinic and AiLife Diagnostics); PubMed 22581653 (cited by Cardiovascular Biomedical Research Unit, Royal Brompton & Harefield NHS Foundation Trust).